The following is an entry in ClinVar:

ClinVar aggregate classification (germline): Uncertain significance. Review status: criteria provided, single submitter (1 of 4 stars). 2 submissions from 2 submitters: Uncertain significance (1). 1 of the submissions does not count toward it. Last evaluated 2024-03-09.

Conditions:
Oculopharyngeal muscular dystrophy 2 (OPMD2). Identifiers: MedGen C5830682, MONDO:0958195, OMIM 620460.
Inclusion body myopathy with early-onset Paget disease with or without frontotemporal dementia 2 (IBMPFD2). Also called: MULTISYSTEM PROTEINOPATHY 2. Identifiers: MedGen C3809468, MONDO:0014178, OMIM 615422.

Submissions (2):

Labcorp Genetics (formerly Invitae), Labcorp
Classification: Uncertain significance for Inclusion body myopathy with early-onset Paget disease with or without frontotemporal dementia 2. Last evaluated: 2024-03-09. Review status: criteria provided, single submitter. Criteria: Invitae Variant Classification Sherloc (09022015). Collection method: clinical testing. Allele origin: germline.
Comment: This sequence change results in a frameshift in the HNRNPA2B1 gene (p.Tyr347Valfs*25). While this is not anticipated to result in nonsense mediated decay, it is expected to disrupt the last 7 amino acid(s) of the HNRNPA2B1 protein and extend the protein by 17 additional amino acid residues. This variant is not present in population databases (gnomAD no frequency). This frameshift has been observed in individual(s) with clinical features of HNRNPA2B1-related conditions (PMID: 35484142). This variant is also known as c.1001_1002dupGT (p.Y335Vfs*25). Experimental studies and prediction algorithms are not available or were not evaluated, and the functional significance of this variant is currently unknown. Algorithms developed to predict the effect of sequence changes on RNA splicing suggest that this variant may disrupt the consensus splice site. In summary, the available evidence is currently insufficient to determine the role of this variant in disease. Therefore, it has been classified as a Variant of Uncertain Significance.

R&I Genetics srl
Classification: Likely pathogenic for Oculopharyngeal muscular dystrophy 2. Last evaluated: 2025-11-12. Review status: no assertion criteria provided. Collection method: clinical testing. Allele origin: unknown. Inheritance: Autosomal dominant inheritance. Affected: yes. Observed: 1 heterozygote. Not counted in ClinVar's aggregate classification.
Comment: The c.1036_1037dup p.(Tyr347ValfsTer25) variant in the HNRNPA2B1 gene is an extremely rare variant (no allele frequency data are available in the dedicated gnomAD database). It causes a change in the amino acid sequence starting from residue 347, resulting in the loss of the natural stop codon (codon 354) of transcript NM_031243.3, and the insertion of an additional 17 amino acids at the C-terminal end of the encoded protein (a stop-lost variant). This variant has not yet been reported in the literature or in dedicated databases; however, a different nucleotide duplication in the same region, c.1037_1038dup, resulting in the same protein alteration p.(Tyr347ValfsTer25), has been described in a patient presenting with ptosis, ophthalmoplegia, symmetric proximal muscle weakness, and respiratory insufficiency (PMID: 35484142). In the same study, eight additional stop-lost variants in the HNRNPA2B1 gene were reported, which appear to interfere with the structure and/or stability of the resulting protein through translation of an altered C-terminal domain.

Literature cited by the submitters: PubMed 35484142 (cited by Labcorp Genetics (formerly Invitae), Labcorp and R&I Genetics srl).

NM_002137.4(HNRNPA2B1):c.1000_1001dup (p.Tyr335fs)

Gene: HNRNPA2B1 (heterogeneous nuclear ribonucleoprotein A2/B1; minus strand). Cytogenetic location: 7p15.2.
Variant type: Duplication.
Coding change: c.1000_1001dup on transcript NM_002137.4 (MANE Select); coding-DNA positions 1000 to 1001, 2 bases duplicated (GG; older notation c.1000_1001dupGG).
Protein change: p.Tyr335fs; shifts the reading frame from tyrosine 335.
Molecular consequence: frameshift variant.
Genome position (GRCh38, 1-based): chr7:26,192,541-26,192,542, CC duplicated on the plus strand (GG on the coding strand, the reverse complement: HNRNPA2B1 is on the minus strand); duplicating any 2 consecutive bases within chr7:26,192,541-26,192,545 gives the same sequence; the c. name uses the placement nearest the transcript's 3' end. VCF-style (leftmost placement, unchanged base first): chr7-26192540-A-ACC. GRCh37 (hg19) VCF-style: chr7-26232160-A-ACC.
Other names: c.1033_1034dup, p.Tyr347Valfs (NM_031243.4); short protein forms Y347fs, Y335fs.
Identifiers: ClinVar variation 3644042 (VCV003644042.3).